The following is an entry in ClinVar:

NM_025074.7(FRAS1):c.6691G>A (p.Gly2231Arg)

Gene: FRAS1 (Fraser extracellular matrix complex subunit 1; plus strand). Cytogenetic location: 4q21.21.
Variant type: single nucleotide variant.
Coding change: c.6691G>A on transcript NM_025074.7 (MANE Select); coding-DNA position 6691, G replaced by A.
Protein change: p.Gly2231Arg; replaces glycine 2231 with arginine.
Molecular consequence: missense variant.
Genome position (GRCh38, 1-based): chr4:78,452,282, G>A. VCF-style: chr4-78452282-G-A. GRCh37 (hg19) VCF-style: chr4-79373436-G-A.
Other names: p.Gly2231Arg; short protein forms G2231R.
Identifiers: ClinVar variation 349740 (VCV000349740.15), dbSNP rs76623027, ClinGen allele CA2977857.

ClinVar aggregate classification (germline): Benign. Review status: criteria provided, multiple submitters, no conflicts (2 of 4 stars). 4 submissions from 4 submitters: Benign (4). Last evaluated 2026-02-02.

Conditions:
Fraser syndrome 1 (FRASRS1). Also called: CRYPTOPHTHALMOS WITH OTHER MALFORMATIONS. Identifiers: Orphanet 2052, MedGen C4551480, MONDO:0054737, OMIM 219000.

Allele frequency attached by ClinVar (database versions not stated): gnomAD exomes 0.00261 and 0.00674; ExAC 0.00800; ESP Exome Variant Server 0.02579; gnomAD 0.02621 and 0.02812; TOPMed 0.02866; 1000 Genomes Project 0.02995; 1000 Genomes Project 30x 0.03295.
gnomAD v4.1: 7,960 of 1,613,420 alleles (0.49%); highest among the groups gnomAD compares: African/African-American, 9%; 336 homozygotes.

Submissions (4):

Labcorp Genetics (formerly Invitae), Labcorp
Classification: Benign. Last evaluated: 2026-02-02. Review status: criteria provided, single submitter. Criteria: Invitae Variant Classification Sherloc (09022015). Collection method: clinical testing. Allele origin: germline.

Mayo Clinic Laboratories, Mayo Clinic
Classification: Benign. Last evaluated: 2023-04-10. Review status: criteria provided, single submitter. Criteria: ACMG Guidelines, 2015. Collection method: clinical testing. Allele origin: germline. Observed: 1 variant allele.

Illumina Laboratory Services, Illumina
Classification: Benign for Fraser syndrome 1. Last evaluated: 2018-01-13. Review status: criteria provided, single submitter. Criteria: ICSL Variant Classification Criteria 13 December 2019. Collection method: clinical testing. Allele origin: germline.
Comment: This variant was observed in the ICSL laboratory as part of a predisposition screen in an ostensibly healthy population. It had not been previously curated by ICSL or reported in the Human Gene Mutation Database (HGMD: prior to June 1st, 2018), and was therefore a candidate for classification through an automated scoring system. Utilizing variant allele frequency, disease prevalence and penetrance estimates, and inheritance mode, an automated score was calculated to assess if this variant is too frequent to cause the disease. Based on the score and internal cut-off values, a variant classified as benign is not then subjected to further curation. The score for this variant resulted in a classification of benign for this disease.

Breakthrough Genomics
Classification: Benign. Review status: criteria provided, single submitter. Criteria: ACMG Guidelines, 2015. Collection method: not provided. Allele origin: germline. Inheritance: Autosomal recessive inheritance. Affected: yes.